The following is an entry in ClinVar:

ClinVar aggregate classification (germline): Uncertain significance (0 of 4 stars; one submission).

Conditions:
CREBBP-related disorder. Also called: CREBBP-related condition; CREBBP-related disorders.

Submission:

PreventionGenetics, part of Exact Sciences
Classification: Uncertain significance for CREBBP-related condition. Last evaluated: 2024-07-18. Review status: no assertion criteria provided. Collection method: clinical testing. Allele origin: germline.
Comment: The CREBBP c.7088C>G variant is predicted to result in the amino acid substitution p.Pro2363Arg. To our knowledge, this variant has not been reported in gnomAD, indicating this variant is rare. At this time, the clinical significance of this variant is uncertain due to the absence of conclusive functional and genetic evidence.

NM_004380.3(CREBBP):c.7088C>G (p.Pro2363Arg)

Gene: CREBBP (CREB binding lysine acetyltransferase; minus strand). Cytogenetic location: 16p13.3.
Variant type: single nucleotide variant.
Coding change: c.7088C>G on transcript NM_004380.3 (MANE Select); coding-DNA position 7088, C replaced by G.
Protein change: p.Pro2363Arg; replaces proline 2363 with arginine.
Molecular consequence: missense variant.
Genome position (GRCh38, 1-based): chr16:3,727,959, G>C on the plus strand (C>G on the coding strand, the complement: CREBBP is on the minus strand). VCF-style: chr16-3727959-G-C. GRCh37 (hg19) VCF-style: chr16-3777960-G-C.
Other names: c.6974C>G, p.Pro2325Arg (NM_001079846.1); short protein forms P2325R, P2363R.
Identifiers: ClinVar variation 3345800 (VCV003345800.1).